The following is an entry in ClinVar:

NM_001378120.1(MBD5):c.2796T>A (p.His932Gln)

Gene: MBD5 (methyl-CpG binding domain protein 5; plus strand). Cytogenetic location: 2q23.1.
Variant type: single nucleotide variant.
Coding change: c.2796T>A on transcript NM_001378120.1 (MANE Select); coding-DNA position 2796, T replaced by A.
Protein change: p.His932Gln; replaces histidine 932 with glutamine.
Molecular consequence: missense variant.
Genome position (GRCh38, 1-based): chr2:148,483,387, T>A. VCF-style: chr2-148483387-T-A. GRCh37 (hg19) VCF-style: chr2-149240956-T-A.
Other names: c.2796T>A, p.His932Gln (NM_001438854.1, NM_001438855.1, NM_001438856.1 and 7 more transcripts); short protein forms H932Q.
Identifiers: ClinVar variation 4819560 (VCV004819560.1).

ClinVar aggregate classification (germline): Likely benign (1 of 4 stars; one submission).

Conditions:
Intellectual developmental disorder, autosomal dominant 1. Also called: MBD5 Haploinsufficiency; Intellectual disability, autosomal dominant 1. Identifiers: Orphanet 228402, MedGen C1969562, MONDO:0007974, OMIM 156200.

Submission:

Centre for Medical Genetics,  Mumbai
Classification: Likely benign for Intellectual developmental disorder, autosomal dominant 1. Last evaluated: 2026-03-16. Review status: criteria provided, single submitter. Criteria: ACMG Guidelines, 2015. Collection method: provider interpretation. Allele origin: germline. Inheritance: Autosomal dominant inheritance. Affected: no. Observed: 1 variant allele, 1 heterozygote.
Comment: The variant satisfies PM2 criteria; Extremely low frequency in gnomAD population databases. However, the variant satisfies BS2 criteria.

Literature cited by the submitters: PubMed 17847001.